The following is an entry in ClinVar:

NM_153252.5(BRWD3):c.4397+3A>T

Gene: BRWD3 (bromodomain and WD repeat domain containing 3; minus strand). Cytogenetic location: Xq21.1.
Variant type: single nucleotide variant.
Coding change: c.4397+3A>T on transcript NM_153252.5 (MANE Select); 3 bases into the intron after coding-DNA position 4397, A replaced by T.
Molecular consequence: intron variant.
Genome position (GRCh38, 1-based): chrX:80,682,462, T>A on the plus strand (A>T on the coding strand, the complement: BRWD3 is on the minus strand). VCF-style: chrX-80682462-T-A. GRCh37 (hg19) VCF-style: chrX-79937961-T-A.
Other names: c.4247+3A>T (NM_001441339.1).
Identifiers: ClinVar variation 4891536 (VCV004891536.1).

ClinVar aggregate classification (germline): Uncertain significance (1 of 4 stars; one submission).

Conditions:
Intellectual developmental disorder, X-linked 93. Also called: MENTAL RETARDATION, X-LINKED, WITH MACROCEPHALY; Intellectual disability, X-linked 93. Identifiers: MedGen C1970841, MONDO:0010393, OMIM 300659.

Submission:

Clinical Genetics Laboratory, University Hospital Schleswig-Holstein
Classification: Uncertain significance for Intellectual developmental disorder, X-linked 93. Last evaluated: 2025-12-10. Review status: criteria provided, single submitter. Criteria: ACMG Guidelines, 2015. Collection method: clinical testing. Allele origin: maternal. Affected: yes. Observed: 1 hemizygote.
Comment: ACMG criteria applied: PM2, PP3